The following is an entry in ClinVar:

ClinVar aggregate classification (germline): Conflicting classifications of pathogenicity. Review status: criteria provided, conflicting classifications (1 of 4 stars). 7 submissions from 7 submitters: Uncertain significance (5); Likely benign (2). Last evaluated 2026-01-18.

Conditions:
Birt-Hogg-Dube syndrome. Also called: Birt Hogg Dubé syndrome. Identifiers: Orphanet 122, MedGen C0346010, MONDO:0800444.
Colorectal cancer. Also called: Colorectal cancer, somatic; Malignant Colorectal Neoplasm. Identifiers: MedGen C0346629, MONDO:0005575, OMIM 114500.
Nonpapillary renal cell carcinoma. Identifiers: Orphanet 422526, MedGen CN074294, MONDO:0007763, OMIM 144700.
Familial spontaneous pneumothorax (PSP). Identifiers: Orphanet 2903, MedGen C1868193, MONDO:0008259, OMIM 173600.
Birt-Hogg-Dube syndrome 1 (BHD1). Also called: FIBROFOLLICULOMAS WITH TRICHODISCOMAS AND ACROCHORDONS. Identifiers: Orphanet 122, MedGen CN375946, MONDO:0800445, OMIM 135150.
Hereditary cancer-predisposing syndrome. Also called: Hereditary neoplastic syndrome; Neoplastic Syndromes, Hereditary; Tumor predisposition; Hereditary Cancer Syndrome. Identifiers: Orphanet 140162, MedGen C0027672, MeSH D009386, MONDO:0015356.

Allele frequency attached by ClinVar (database versions not stated): gnomAD 0.00001; gnomAD exomes 0.00001; ExAC 0.00002; TOPMed 0.00002.
gnomAD v4.1: 32 of 1,614,040 alleles (0.002%); highest among the groups gnomAD compares: East Asian, 0.04%; no homozygotes.

Submissions (7):

Labcorp Genetics (formerly Invitae), Labcorp
Classification: Uncertain significance for Birt-Hogg-Dube syndrome. Last evaluated: 2026-01-18. Review status: criteria provided, single submitter. Criteria: Invitae Variant Classification Sherloc (09022015). Collection method: clinical testing. Allele origin: germline.
Comment: This sequence change replaces proline, which is neutral and non-polar, with leucine, which is neutral and non-polar, at codon 93 of the FLCN protein (p.Pro93Leu). This variant is present in population databases (rs766548696, gnomAD 0.02%). This variant has not been reported in the literature in individuals affected with FLCN-related conditions. ClinVar contains an entry for this variant (Variation ID: 485579). Invitae Evidence Modeling of protein sequence and biophysical properties (such as structural, functional, and spatial information, amino acid conservation, physicochemical variation, residue mobility, and thermodynamic stability) indicates that this missense variant is not expected to disrupt FLCN protein function with a negative predictive value of 80%. In summary, the available evidence is currently insufficient to determine the role of this variant in disease. Therefore, it has been classified as a Variant of Uncertain Significance.

Quest Diagnostics Nichols Institute San Juan Capistrano
Classification: Uncertain significance. Last evaluated: 2024-09-15. Review status: criteria provided, single submitter. Criteria: Quest Diagnostics criteria. Collection method: clinical testing. Allele origin: unknown.
Comment: The FLCN c.278C>T (p.Pro93Leu) variant has not been reported in individuals with FLCN-related conditions in the published literature. The frequency of this variant in the general population, 0.000012 (3/251408 chromosomes (Genome Aggregation Database)), is uninformative in the assessment of its pathogenicity. Analysis of this variant using bioinformatics tools for the prediction of the effect of amino acid changes on protein structure and function yielded conflicting predictions that this variant is benign or damaging. Based on the available information, we are unable to determine the clinical significance of this variant.

Myriad Genetics, Inc.
Classification: Likely benign for Birt-Hogg-Dube syndrome 1. Last evaluated: 2024-08-14. Review status: criteria provided, single submitter. Criteria: Myriad Autosomal Dominant, Autosomal Recessive and X-Linked Classification Criteria (2023). Collection method: clinical testing. Allele origin: unknown.
Comment: This variant is considered likely benign. This variant has been observed at a population frequency that is significantly greater than expected given the associated disease prevalence and penetrance.

Fulgent Genetics
Classification: Uncertain significance for Colorectal cancer; Birt-Hogg-Dube syndrome 1; Nonpapillary renal cell carcinoma; Familial spontaneous pneumothorax. Last evaluated: 2024-03-28. Review status: criteria provided, single submitter. Criteria: ACMG Guidelines, 2015. Collection method: clinical testing. Allele origin: germline.

Baylor Genetics
Classification: Uncertain significance for Birt-Hogg-Dube syndrome 1. Last evaluated: 2024-02-27. Review status: criteria provided, single submitter. Criteria: ACMG Guidelines, 2015. Collection method: clinical testing. Allele origin: unknown.

Ambry Genetics
Classification: Likely benign for Hereditary cancer-predisposing syndrome. Last evaluated: 2022-08-09. Review status: criteria provided, single submitter. Criteria: Ambry Variant Classification Scheme 2023. Collection method: clinical testing. Allele origin: germline.

GeneDx
Classification: Uncertain significance. Last evaluated: 2020-03-10. Review status: criteria provided, single submitter. Criteria: GeneDx Variant Classification Process June 2021. Collection method: clinical testing. Allele origin: germline. Affected: yes.
Comment: Has not been previously published as pathogenic or benign to our knowledge; In silico analysis supports that this missense variant has a deleterious effect on protein structure/function

NM_144997.7(FLCN):c.278C>T (p.Pro93Leu)

Gene: FLCN (folliculin; minus strand). Cytogenetic location: 17p11.2.
Variant type: single nucleotide variant.
Coding change: c.278C>T on transcript NM_144997.7 (MANE Select); coding-DNA position 278, C replaced by T.
Protein change: p.Pro93Leu; replaces proline 93 with leucine.
Molecular consequence: missense variant.
Genome position (GRCh38, 1-based): chr17:17,226,294, G>A on the plus strand (C>T on the coding strand, the complement: FLCN is on the minus strand). VCF-style: chr17-17226294-G-A. GRCh37 (hg19) VCF-style: chr17-17129608-G-A.
Other names: c.278C>T (LRG_325t1, NM_144997.6); c.278C>T, p.Pro93Leu (NM_001353229.2, NM_001353230.2, NM_001353231.2 and 1 more transcripts); short protein forms P93L.
Identifiers: ClinVar variation 485579 (VCV000485579.20), dbSNP rs766548696, ClinGen allele CA8416459.